The following is an entry in ClinVar:

ClinVar aggregate classification (germline): Uncertain significance (1 of 4 stars; one submission).

Conditions:
Inborn genetic diseases. Identifiers: MedGen C0950123, MeSH D030342.

Submission:

Ambry Genetics
Classification: Uncertain significance for Inborn genetic diseases. Last evaluated: 2026-02-21. Review status: criteria provided, single submitter. Criteria: Ambry Variant Classification Scheme 2023. Collection method: clinical testing. Allele origin: germline.
Comment: The p.E95K variant (also known as c.283G>A), located in coding exon 3 of the AKT1 gene, results from a G to A substitution at nucleotide position 283. The glutamic acid at codon 95 is replaced by lysine, an amino acid with similar properties. This amino acid position is conserved. In addition, this alteration is predicted to be deleterious by in silico analysis. Based on the available evidence, the clinical significance of this variant remains unclear.

NM_001382430.1(AKT1):c.283G>A (p.Glu95Lys)

Gene: AKT1 (AKT serine/threonine kinase 1; minus strand). Cytogenetic location: 14q32.33.
Variant type: single nucleotide variant.
Coding change: c.283G>A on transcript NM_001382430.1 (MANE Select); coding-DNA position 283, G replaced by A.
Protein change: p.Glu95Lys; replaces glutamic acid 95 with lysine.
Molecular consequence: missense variant.
Genome position (GRCh38, 1-based): chr14:104,776,663, C>T on the plus strand (G>A on the coding strand, the complement: AKT1 is on the minus strand). VCF-style: chr14-104776663-C-T. GRCh37 (hg19) VCF-style: chr14-105243000-C-T.
Other names: c.283G>A, p.Glu95Lys (NM_001014431.2, NM_001014432.2, NM_001382431.1 and 3 more transcripts); short protein forms E95K.
Identifiers: ClinVar variation 4825728 (VCV004825728.1).